The following is an entry in ClinVar:

ClinVar aggregate classification (germline): Uncertain significance (1 of 4 stars; one submission).

Allele frequency attached by ClinVar (database versions not stated): gnomAD exomes 0.00001; ExAC 0.00004.

Submission:

Labcorp Genetics (formerly Invitae), Labcorp
Classification: Uncertain significance. Last evaluated: 2022-03-16. Review status: criteria provided, single submitter. Criteria: Invitae Variant Classification Sherloc (09022015). Collection method: clinical testing. Allele origin: germline.
Comment: This variant is present in population databases (rs762294212, gnomAD 0.01%). In summary, the available evidence is currently insufficient to determine the role of this variant in disease. Therefore, it has been classified as a Variant of Uncertain Significance. Algorithms developed to predict the effect of missense changes on protein structure and function (SIFT, PolyPhen-2, Align-GVGD) all suggest that this variant is likely to be disruptive. This variant has not been reported in the literature in individuals affected with ADAMTSL4-related conditions. This sequence change replaces serine, which is neutral and polar, with phenylalanine, which is neutral and non-polar, at codon 796 of the ADAMTSL4 protein (p.Ser796Phe).

NM_019032.6(ADAMTSL4):c.2387C>T (p.Ser796Phe)

Gene: ADAMTSL4 (ADAMTS like 4; plus strand). Cytogenetic location: 1q21.2.
Variant type: single nucleotide variant.
Coding change: c.2387C>T on transcript NM_019032.6 (MANE Select); coding-DNA position 2387, C replaced by T.
Protein change: p.Ser796Phe; replaces serine 796 with phenylalanine.
Molecular consequence: missense variant.
Genome position (GRCh38, 1-based): chr1:150,558,477, C>T. VCF-style: chr1-150558477-C-T. GRCh37 (hg19) VCF-style: chr1-150530953-C-T.
Other names: c.2270C>T, p.Ser757Phe (NM_001288607.2); c.2456C>T, p.Ser819Phe (NM_001288608.2); c.2387C>T, p.Ser796Phe (NM_001378596.1, NM_025008.5); short protein forms S757F, S819F, S796F.
Identifiers: ClinVar variation 2113035 (VCV002113035.4), dbSNP rs762294212, ClinGen allele CA1078655.